The following is an entry in ClinVar:

NM_001318734.2(KLC2):c.136G>C (p.Glu46Gln)

Gene: KLC2 (kinesin light chain 2; plus strand). Cytogenetic location: 11q13.2.
Variant type: single nucleotide variant.
Coding change: c.136G>C on transcript NM_001318734.2 (MANE Select); coding-DNA position 136, G replaced by C.
Protein change: p.Glu46Gln; replaces glutamic acid 46 with glutamine.
Molecular consequence: missense variant.
Genome position (GRCh38, 1-based): chr11:66,258,730, G>C. VCF-style: chr11-66258730-G-C. GRCh37 (hg19) VCF-style: chr11-66026201-G-C.
Other names: c.136G>C, p.Glu46Gln (NM_001134774.2, NM_001134775.2, NM_001134776.2 and 1 more transcripts); short protein forms E46Q.
Identifiers: ClinVar variation 2022921 (VCV002022921.4), dbSNP rs753845837, ClinGen allele CA381388937.

ClinVar aggregate classification (germline): Uncertain significance (1 of 4 stars; one submission).

gnomAD v4.1: 2 of 1,613,310 alleles (0.00012%); highest among the groups gnomAD compares: Admixed American, 0.0017%; no homozygotes.

Submission:

Labcorp Genetics (formerly Invitae), Labcorp
Classification: Uncertain significance. Last evaluated: 2024-04-10. Review status: criteria provided, single submitter. Criteria: Invitae Variant Classification Sherloc (09022015). Collection method: clinical testing. Allele origin: germline.
Comment: This sequence change replaces glutamic acid, which is acidic and polar, with glutamine, which is neutral and polar, at codon 46 of the KLC2 protein (p.Glu46Gln). This variant is not present in population databases (gnomAD no frequency). This variant has not been reported in the literature in individuals affected with KLC2-related conditions. ClinVar contains an entry for this variant (Variation ID: 2022921). An algorithm developed to predict the effect of missense changes on protein structure and function (PolyPhen-2) suggests that this variant is likely to be tolerated. In summary, the available evidence is currently insufficient to determine the role of this variant in disease. Therefore, it has been classified as a Variant of Uncertain Significance.